The following is an entry in ClinVar:

ClinVar aggregate classification (germline): Uncertain significance (1 of 4 stars; one submission).

Allele frequency attached by ClinVar (database versions not stated): TOPMed below 0.00001; gnomAD 0.00001.
gnomAD v4.1: 1 of 1,209,815 alleles (0.000083%); highest among the groups gnomAD compares: Non-Finnish European, 0.00011%; no homozygotes.

Submission:

GeneDx
Classification: Uncertain significance. Last evaluated: 2016-10-04. Review status: criteria provided, single submitter. Criteria: GeneDx Variant Classification (06012015). Collection method: clinical testing. Allele origin: germline. Affected: yes.
Comment: A variant of uncertain significance has been identified in the AFF2 gene. The S487F variant has not been published as a pathogenic variant, nor has it been reported as a benign variant to our knowledge. It was not observed in approximately 6,500 individuals of European and African American ancestry in the NHLBI Exome Sequencing Project, indicating it is not a common benign variant in these populations. The S487F variant is a non-conservative amino acid substitution, which is likely to impact secondary protein structure as these residues differ in polarity, charge, size and/or other properties. This substitution occurs at a position that is conserved across species, and in silico analysis predicts the S487F variant is probably damaging to the protein structure/function. Based on the currently available information, it is unclear whether this variant is a pathogenic variant or a rare benign variant.

NM_002025.4(AFF2):c.1460C>T (p.Ser487Phe)

Gene: AFF2 (AF4/FMR2 family member 2; plus strand). Cytogenetic location: Xq28.
Variant type: single nucleotide variant.
Coding change: c.1460C>T on transcript NM_002025.4 (MANE Select); coding-DNA position 1460, C replaced by T.
Protein change: p.Ser487Phe; replaces serine 487 with phenylalanine.
Molecular consequence: missense variant.
Genome position (GRCh38, 1-based): chrX:148,953,642, C>T. VCF-style: chrX-148953642-C-T. GRCh37 (hg19) VCF-style: chrX-148035172-C-T.
Other names: c.1361C>T, p.Ser454Phe (NM_001169122.2); c.1430C>T, p.Ser477Phe (NM_001169123.2); c.1355C>T, p.Ser452Phe (NM_001169124.2); c.1343C>T, p.Ser448Phe (NM_001169125.2); c.383C>T, p.Ser128Phe (NM_001170628.1); short protein forms S487F, S128F, S448F, S477F, S452F, S454F.
Identifiers: ClinVar variation 389455 (VCV000389455.2), dbSNP rs1057523435, ClinGen allele CA16608755.